The following is an entry in ClinVar:

NM_006206.6(PDGFRA):c.568G>T (p.Glu190Ter)

Gene: PDGFRA (platelet derived growth factor receptor alpha; plus strand). Cytogenetic location: 4q12.
Variant type: single nucleotide variant.
Coding change: c.568G>T on transcript NM_006206.6 (MANE Select); coding-DNA position 568, G replaced by T.
Protein change: p.Glu190Ter; replaces glutamic acid 190 with a stop codon.
Molecular consequence: nonsense.
Genome position (GRCh38, 1-based): chr4:54,263,867, G>T. VCF-style: chr4-54263867-G-T. GRCh37 (hg19) VCF-style: chr4-55130034-G-T.
Other names: c.568G>T, p.Glu190Ter (NM_001347827.2, NM_001347829.2); c.643G>T, p.Glu215Ter (NM_001347828.2); c.607G>T, p.Glu203Ter (NM_001347830.2); short protein forms E203*, E190*, E215*.
Identifiers: ClinVar variation 4665144 (VCV004665144.1).
Genomic context (GRCh38, chr4:54,263,867, plus strand): 5'-GCCTCCTACGACAGCAGACAGGGCTTTAATGGGACCTTCACTGTAGGGCCCTATATCTGT[G>T]AGGCCACCGTCAAAGGAAAGAAGTTCCAGACCATCCCATTTAATGTTTATGCTTTAAAAG-3'

ClinVar aggregate classification (germline): Uncertain significance (1 of 4 stars; one submission).

Conditions:
Hereditary cancer-predisposing syndrome. Also called: Neoplastic Syndromes, Hereditary; Tumor predisposition; Hereditary Cancer Syndrome; Hereditary neoplastic syndrome. Identifiers: Orphanet 140162, MedGen C0027672, MeSH D009386, MONDO:0015356.

Submission:

Ambry Genetics
Classification: Uncertain significance for Hereditary cancer-predisposing syndrome. Last evaluated: 2025-10-02. Review status: criteria provided, single submitter. Criteria: Ambry Variant Classification Scheme 2023. Collection method: clinical testing. Allele origin: germline.
Comment: The p.E190* variant (also known as c.568G>T), located in coding exon 3 of the PDGFRA gene, results from a G to T substitution at nucleotide position 568. This changes the amino acid from a glutamic acid to a stop codon within coding exon 3. This alteration is expected to result in protein truncation or nonsense-mediated mRNA decay. However, loss of function has not been established as a mechanism of disease. Based on the available evidence, the clinical significance of this alteration remains unclear.